The following is an entry in ClinVar:

ClinVar aggregate classification (germline): Uncertain significance (1 of 4 stars; one submission).

Conditions:
Inborn genetic diseases. Identifiers: MedGen C0950123, MeSH D030342.

gnomAD v4.1: 2 of 1,608,332 alleles (0.00012%); highest among the groups gnomAD compares: East Asian, 0.0045%; no homozygotes.

Submission:

Ambry Genetics
Classification: Uncertain significance for Inborn genetic diseases. Last evaluated: 2025-07-24. Review status: criteria provided, single submitter. Criteria: Ambry Variant Classification Scheme 2023. Collection method: clinical testing. Allele origin: germline.
Comment: The p.G1046R variant (also known as c.3136G>C), located in coding exon 31 of the RTEL1 gene, results from a G to C substitution at nucleotide position 3136. The glycine at codon 1046 is replaced by arginine, an amino acid with dissimilar properties. This amino acid position is conserved. In addition, this alteration is predicted to be tolerated by in silico analysis. Based on the available evidence, the clinical significance of this variant remains unclear.

NM_001283009.2(RTEL1):c.3136G>C (p.Gly1046Arg)

Genes: RTEL1 (regulator of telomere elongation helicase 1; plus strand), RTEL1-TNFRSF6B (RTEL1-TNFRSF6B readthrough (NMD candidate); plus strand). Cytogenetic location: 20q13.33.
Variant type: single nucleotide variant.
Coding change: c.3136G>C on transcript NM_001283009.2 (MANE Select); coding-DNA position 3136, G replaced by C.
Protein change: p.Gly1046Arg; replaces glycine 1046 with arginine.
Molecular consequence: missense variant. On other transcripts: non-coding transcript variant (1).
Genome position (GRCh38, 1-based): chr20:63,694,767, G>C. VCF-style: chr20-63694767-G-C. GRCh37 (hg19) VCF-style: chr20-62326120-G-C.
Other names: c.2467G>C, p.Gly823Arg (NM_001283010.1); c.3136G>C, p.Gly1046Arg (NM_016434.4); c.3208G>C, p.Gly1070Arg (NM_032957.5); short protein forms G1046R, G823R, G1070R.
Identifiers: ClinVar variation 4157615 (VCV004157615.1).
Genomic context (GRCh38, chr20:63,694,767, plus strand): 5'-AGCGCCACTCTGAGCCATGCTACTCCCACACCAGGAGACCCTGGCAGCCAACCACAGTGG[G>C]GGTCTGGAGTGCCCAGAGCAGGGAAGCAGGGCCAGCACGCCGTGAGCGCCTACCTGGCTG-3'
Protein context (NP_001269938.1, residues 1036-1056): TGDPGSQPQW[Gly1046Arg]SGVPRAGKQG